The following is an entry in ClinVar:

NM_022114.4(PRDM16):c.778C>T (p.Leu260Phe)

Gene: PRDM16 (PR/SET domain 16; plus strand). Cytogenetic location: 1p36.32.
Variant type: single nucleotide variant.
Coding change: c.778C>T on transcript NM_022114.4 (MANE Select); coding-DNA position 778, C replaced by T.
Protein change: p.Leu260Phe; replaces leucine 260 with phenylalanine.
Molecular consequence: missense variant.
Genome position (GRCh38, 1-based): chr1:3,402,892, C>T. VCF-style: chr1-3402892-C-T. GRCh37 (hg19) VCF-style: chr1-3319456-C-T.
Other names: c.778C>T, p.Leu260Phe (NM_199454.3); short protein forms L260F.
Identifiers: ClinVar variation 1393011 (VCV001393011.6), dbSNP rs762328436, ClinGen allele CA338003179.

ClinVar aggregate classification (germline): Uncertain significance (1 of 4 stars; one submission).

Conditions:
Left ventricular noncompaction 8 (LVNC8). Identifiers: Orphanet 154, Orphanet 54260, MedGen C3809288, MONDO:0014152, OMIM 615373.

gnomAD v4.1: 2 of 1,613,040 alleles (0.00012%); highest among the groups gnomAD compares: Non-Finnish European, 0.00017%; no homozygotes.

Submission:

Labcorp Genetics (formerly Invitae), Labcorp
Classification: Uncertain significance for Left ventricular noncompaction 8. Last evaluated: 2022-08-16. Review status: criteria provided, single submitter. Criteria: Invitae Variant Classification Sherloc (09022015). Collection method: clinical testing. Allele origin: germline.
Comment: In summary, the available evidence is currently insufficient to determine the role of this variant in disease. Therefore, it has been classified as a Variant of Uncertain Significance. Algorithms developed to predict the effect of missense changes on protein structure and function (SIFT, PolyPhen-2, Align-GVGD) all suggest that this variant is likely to be tolerated. ClinVar contains an entry for this variant (Variation ID: 1393011). This variant has not been reported in the literature in individuals affected with PRDM16-related conditions. This variant is present in population databases (no rsID available, gnomAD 0.0009%). This sequence change replaces leucine, which is neutral and non-polar, with phenylalanine, which is neutral and non-polar, at codon 260 of the PRDM16 protein (p.Leu260Phe).